The following is an entry in ClinVar:

NM_001199799.2(ILDR1):c.486G>T (p.Lys162Asn)

Gene: ILDR1 (immunoglobulin like domain containing receptor 1; minus strand). Cytogenetic location: 3q13.33.
Variant type: single nucleotide variant.
Coding change: c.486G>T on transcript NM_001199799.2 (MANE Select); coding-DNA position 486, G replaced by T.
Protein change: p.Lys162Asn; replaces lysine 162 with asparagine.
Molecular consequence: missense variant. On other transcripts: intron variant (1).
Genome position (GRCh38, 1-based): chr3:122,001,758, C>A on the plus strand (G>T on the coding strand, the complement: ILDR1 is on the minus strand). VCF-style: chr3-122001758-C-A. GRCh37 (hg19) VCF-style: chr3-121720605-C-A.
Other names: c.486G>T, p.Lys162Asn (NM_175924.4); c.379+3486G>T (NM_001199800.2); short protein forms K162N.
Identifiers: ClinVar variation 163699 (VCV000163699.4), dbSNP rs142554264, ClinGen allele CA176361.

ClinVar aggregate classification (germline): Uncertain significance (1 of 4 stars; one submission).

gnomAD v4.1: 4 of 1,612,612 alleles (0.00025%); highest among the groups gnomAD compares: Non-Finnish European, 0.00025%; no homozygotes.

Submission:

Laboratory for Molecular Medicine, Mass General Brigham Personalized Medicine
Classification: Uncertain significance. Last evaluated: 2013-08-28. Review status: criteria provided, single submitter. Criteria: LMM Criteria. Collection method: clinical testing. Allele origin: germline. Observed: 1 variant allele.
Comment: The Lys162Asn variant in ILDR1 has not been reported in individuals with hearing loss or in large population studies. Computational analyses (biochemical amino acid properties, conservation, AlignGVGD, PolyPhen2, and SIFT) suggest that the Lys162Asn variant may impact the protein, though this information is not predict ive enough to determine pathogenicity. In summary, additional information is nee ded to fully assess the clinical significance of the Lys162Asn variant.